The following is an entry in ClinVar:

NM_032119.4(ADGRV1):c.13232-268_13232-267dup

Gene: ADGRV1 (adhesion G protein-coupled receptor V1; plus strand). Cytogenetic location: 5q14.3.
Variant type: Duplication.
Coding change: c.13232-268_13232-267dup on transcript NM_032119.4 (MANE Select); 268 bases into the intron before coding-DNA position 13232 through 267 bases into the intron before coding-DNA position 13232, 2 bases duplicated (AG; older notation c.13232-268_13232-267dupAG).
Molecular consequence: intron variant.
Genome position (GRCh38, 1-based): chr5:90,782,856-90,782,857, AG duplicated. VCF-style (leftmost placement, unchanged base first): chr5-90782855-C-CAG. GRCh37 (hg19) VCF-style: chr5-90078672-C-CAG.
Identifiers: ClinVar variation 672431 (VCV000672431.1), dbSNP rs147655563, ClinGen allele CA122805128.

ClinVar aggregate classification (germline): Benign (1 of 4 stars; one submission).

Allele frequency attached by ClinVar (database versions not stated): gnomAD 0.16703 and 0.17687; 1000 Genomes Project 0.16993; 1000 Genomes Project 30x 0.17911.

Submission:

GeneDx
Classification: Benign. Last evaluated: 2018-06-14. Review status: criteria provided, single submitter. Criteria: GeneDx Variant Classification (06012015). Collection method: clinical testing. Allele origin: germline. Affected: yes.
Comment: This variant is considered likely benign or benign based on one or more of the following criteria: it is a conservative change, it occurs at a poorly conserved position in the protein, it is predicted to be benign by multiple in silico algorithms, and/or has population frequency not consistent with disease.